The following is an entry in ClinVar:

NM_000232.5(SGCB):c.-18_8dup (p.Ala6fs)

Genes: SGCB (sarcoglycan beta; minus strand), LOC129992585 (ATAC-STARR-seq lymphoblastoid silent region 15421; plus strand). Cytogenetic location: 4q12.
Variant type: Duplication.
Coding change: c.-18_8dup on transcript NM_000232.5 (MANE Select); 18 bases upstream of the start codon through coding-DNA position 8, 26 bases duplicated (GGCGGCGGGCGCGGGAAGATGGCGGC).
Protein change: p.Ala6fs; shifts the reading frame from alanine 6.
Molecular consequence: frameshift variant, initiator codon variant.
Genome position (GRCh38, 1-based): chr4:52,038,252-52,038,277, GCCGCCATCTTCCCGCGCCCGCCGCC duplicated on the plus strand (GGCGGCGGGCGCGGGAAGATGGCGGC on the coding strand, the reverse complement: SGCB is on the minus strand); duplicating any 26 consecutive bases within chr4:52,038,252-52,038,281 gives the same sequence; the c. name uses the placement nearest the transcript's 3' end. VCF-style (leftmost placement, unchanged base first): chr4-52038251-T-TGCCGCCATCTTCCCGCGCCCGCCGCC. GRCh37 (hg19) VCF-style: chr4-52904417-T-TGCCGCCATCTTCCCGCGCCCGCCGCC.
Other names: short protein forms A6fs.
Identifiers: ClinVar variation 1215280 (VCV001215280.6), dbSNP rs2109380938, ClinGen allele CA2499217223.

ClinVar aggregate classification (germline): Pathogenic. Review status: criteria provided, multiple submitters, no conflicts (2 of 4 stars). 2 submissions from 2 submitters: Pathogenic (2). Last evaluated 2025-09-22.

Conditions:
Autosomal recessive limb-girdle muscular dystrophy type 2E (LGMDR4). Also called: MUSCULAR DYSTROPHY, LIMB-GIRDLE, AUTOSOMAL RECESSIVE 4. Identifiers: Orphanet 119, MedGen C1858593, MONDO:0011423, OMIM 604286. Disease mechanism: Affects gamma-sarcoglycan and also disrupts the integrity of the entire sarcoglycan complex..

Submissions (2):

GeneDx
Classification: Pathogenic. Last evaluated: 2025-09-22. Review status: criteria provided, single submitter. Criteria: GeneDx Variant Classification Process June 2021. Collection method: clinical testing. Allele origin: germline. Affected: yes.
Comment: Frameshift variant predicted to result in protein truncation or nonsense mediated decay in a gene for which loss of function is a known mechanism of disease; Not observed at significant frequency in large population cohorts (gnomAD); This variant is associated with the following publications: (PMID: 18285821, 18683213)

Labcorp Genetics (formerly Invitae), Labcorp
Classification: Pathogenic for Autosomal recessive limb-girdle muscular dystrophy type 2E. Last evaluated: 2021-01-08. Review status: criteria provided, single submitter. Criteria: Invitae Variant Classification Sherloc (09022015). Collection method: clinical testing. Allele origin: germline.
Comment: This sequence change creates a premature translational stop signal (p.Ala4Trpfs*18) in the SGCB gene. It is expected to result in an absent or disrupted protein product. Loss-of-function variants in SGCB are known to be pathogenic (PMID: 15938573, 18285821). The frequency data for this variant in the population databases is considered unreliable, as metrics indicate insufficient coverage at this position in the ExAC database. This variant has not been reported in the literature in individuals with SGCB-related conditions. For these reasons, this variant has been classified as Pathogenic.

Literature cited by the submitters: PubMed 15938573 (cited by Labcorp Genetics (formerly Invitae), Labcorp); PubMed 18285821 (cited by Labcorp Genetics (formerly Invitae), Labcorp).